The following is an entry in ClinVar:

ClinVar aggregate classification (germline): Benign. Review status: criteria provided, multiple submitters, no conflicts (2 of 4 stars). 10 submissions from 6 submitters: Benign (9). 1 of the submissions does not count toward it. Last evaluated 2023-07-07.

Conditions:
Meacham syndrome. Also called: Meacham Winn Culler syndrome. Identifiers: Orphanet 3097, MedGen C1837026, MONDO:0012164, OMIM 608978.
Nephrotic syndrome, type 4 (NPHS4). Also called: Familial mesangial sclerosis; Nephrotic syndrome, early onset with diffuse mesangial sclerosis. Identifiers: Orphanet 656, MedGen C3151568, MONDO:0009733, OMIM 256370.
Wilms tumor 1 (WT1). Also called: Wilms tumor, somatic. Identifiers: Orphanet 654, MedGen CN033288, MONDO:0008679, OMIM 194070.
Frasier syndrome. Identifiers: Orphanet 347, MedGen C0950122, MeSH D052159, MONDO:0007635, OMIM 136680.
Drash syndrome (DDS). Also called: WILMS TUMOR AND PSEUDO- OR TRUE HERMAPHRODITISM; NEPHROPATHY, WILMS TUMOR, AND GENITAL ANOMALIES. Identifiers: Orphanet 220, MedGen C0950121, MONDO:0008682, OMIM 194080.

Allele frequency attached by ClinVar (database versions not stated): gnomAD exomes 0.09099 and 0.09300; ExAC 0.09787; 1000 Genomes Project 0.12240; gnomAD 0.12443 and 0.12726; 1000 Genomes Project 30x 0.12492; TOPMed 0.13082; ESP Exome Variant Server 0.13967.
gnomAD v4.1: 151,650 of 1,603,662 alleles (9.5%); highest among the groups gnomAD compares: African/African-American, 23%; 8,595 homozygotes.

Submissions (10):

KCCC/NGS Laboratory, Kuwait Cancer Control Center
Classification: Benign for Wilms tumor 1. Last evaluated: 2023-07-07. Review status: criteria provided, single submitter. Criteria: ACMG Guidelines, 2015. Collection method: clinical testing. Allele origin: germline. Affected: yes.

Genome-Nilou Lab
Classification: Benign for Drash syndrome. Last evaluated: 2021-12-05. Review status: criteria provided, single submitter. Criteria: ACMG Guidelines, 2015. Collection method: clinical testing. Allele origin: germline. Affected: no.

Genome-Nilou Lab
Classification: Benign for Frasier syndrome. Last evaluated: 2021-12-05. Review status: criteria provided, single submitter. Criteria: ACMG Guidelines, 2015. Collection method: clinical testing. Allele origin: germline. Affected: no.

Genome-Nilou Lab
Classification: Benign for Meacham syndrome. Last evaluated: 2021-12-05. Review status: criteria provided, single submitter. Criteria: ACMG Guidelines, 2015. Collection method: clinical testing. Allele origin: germline. Affected: no.

Genome-Nilou Lab
Classification: Benign for Nephrotic syndrome, type 4. Last evaluated: 2021-12-05. Review status: criteria provided, single submitter. Criteria: ACMG Guidelines, 2015. Collection method: clinical testing. Allele origin: germline. Affected: no.

Genome-Nilou Lab
Classification: Benign for Wilms tumor 1. Last evaluated: 2021-12-05. Review status: criteria provided, single submitter. Criteria: ACMG Guidelines, 2015. Collection method: clinical testing. Allele origin: germline. Affected: no.

GeneDx
Classification: Benign. Last evaluated: 2018-06-16. Review status: criteria provided, single submitter. Criteria: GeneDx Variant Classification (06012015). Collection method: clinical testing. Allele origin: germline. Affected: yes.
Comment: This variant is considered likely benign or benign based on one or more of the following criteria: it is a conservative change, it occurs at a poorly conserved position in the protein, it is predicted to be benign by multiple in silico algorithms, and/or has population frequency not consistent with disease.

Breakthrough Genomics
Classification: Benign. Review status: criteria provided, single submitter. Criteria: ACMG Guidelines, 2015. Collection method: not provided. Allele origin: germline. Inheritance: Autosomal dominant inheritance. Affected: yes.

PreventionGenetics, part of Exact Sciences
Classification: Benign. Review status: criteria provided, single submitter. Criteria: ACMG Guidelines, 2015. Collection method: clinical testing. Allele origin: germline.

Human Genetics Disease in Children – Taif University, Taif University
Classification: Benign for Drash syndrome. Last evaluated: 2016-01-01. Review status: no assertion criteria provided. Collection method: clinical testing. Allele origin: unknown. Affected: yes. Not counted in ClinVar's aggregate classification.

NM_024426.6(WT1):c.1265-32C>A

Gene: WT1 (WT1 transcription factor; minus strand). Cytogenetic location: 11p13.
Variant type: single nucleotide variant.
Coding change: c.1265-32C>A on transcript NM_024426.6 (MANE Select); 32 bases into the intron before coding-DNA position 1265, C replaced by A.
Molecular consequence: intron variant.
Genome position (GRCh38, 1-based): chr11:32,392,787, G>T on the plus strand (C>A on the coding strand, the complement: WT1 is on the minus strand). VCF-style: chr11-32392787-G-T. GRCh37 (hg19) VCF-style: chr11-32414333-G-T.
Other names: c.1091-32C>A (NM_001407050.1); c.1142-32C>A (NM_001407047.1); c.1214-723C>A (NM_001407048.1); c.1214-32C>A (NM_001407049.1, NM_000378.6, NM_001407045.1); c.1259-32C>A (NM_001407044.1); c.1265-32C>A (NM_001407046.1, NM_024424.5); c.503-32C>A (NM_001407051.1); c.563-32C>A (NM_001198552.2); and 2 more.
Identifiers: ClinVar variation 224479 (VCV000224479.6), dbSNP rs2234593, ClinGen allele CA064404.